The following is an entry in ClinVar:

NM_182961.4(SYNE1):c.17450C>T (p.Thr5817Met)

Genes: SYNE1 (spectrin repeat containing nuclear envelope protein 1; minus strand), LOC129997480 (ATAC-STARR-seq lymphoblastoid active region 25287; plus strand). Cytogenetic location: 6q25.2.
Variant type: single nucleotide variant.
Coding change: c.17450C>T on transcript NM_182961.4 (MANE Select); coding-DNA position 17450, C replaced by T.
Protein change: p.Thr5817Met; replaces threonine 5817 with methionine.
Molecular consequence: missense variant.
Genome position (GRCh38, 1-based): chr6:152,301,960, G>A on the plus strand (C>T on the coding strand, the complement: SYNE1 is on the minus strand). VCF-style: chr6-152301960-G-A. GRCh37 (hg19) VCF-style: chr6-152623095-G-A.
Other names: c.17237C>T, p.Thr5746Met (NM_033071.5); short protein forms T5746M, T5817M.
Identifiers: ClinVar variation 1717858 (VCV001717858.6), dbSNP rs2552083120, ClinGen allele CA366103753.

ClinVar aggregate classification (germline): Uncertain significance (1 of 4 stars; one submission).

Conditions:
Emery-Dreifuss muscular dystrophy 4, autosomal dominant (EDMD4). Also called: EMERY-DREIFUSS MUSCULAR DYSTROPHY 4 WITH VARIABLE FEATURES. Identifiers: Orphanet 261, MedGen C2751807, MONDO:0013071, OMIM 612998.
Autosomal recessive ataxia, Beauce type. Also called: SYNE1-Related Autosomal Recessive Cerebellar Ataxia; SYNE1 Deficiency; Spinocerebellar ataxia, autosomal recessive 8; ATAXIA, RECESSIVE, OF BEAUCE. Identifiers: Orphanet 88644, MedGen C1853116, MONDO:0012549, OMIM 610743.

Submission:

Labcorp Genetics (formerly Invitae), Labcorp
Classification: Uncertain significance for Emery-Dreifuss muscular dystrophy 4, autosomal dominant; Autosomal recessive ataxia, Beauce type. Last evaluated: 2025-04-14. Review status: criteria provided, single submitter. Criteria: Invitae Variant Classification Sherloc (09022015). Collection method: clinical testing. Allele origin: germline.
Comment: This sequence change replaces threonine, which is neutral and polar, with methionine, which is neutral and non-polar, at codon 5746 of the SYNE1 protein (p.Thr5746Met). This variant is not present in population databases (gnomAD no frequency). This variant has not been reported in the literature in individuals affected with SYNE1-related conditions. ClinVar contains an entry for this variant (Variation ID: 1717858). An algorithm developed to predict the effect of missense changes on protein structure and function (PolyPhen-2) suggests that this variant is likely to be disruptive. In summary, the available evidence is currently insufficient to determine the role of this variant in disease. Therefore, it has been classified as a Variant of Uncertain Significance.